The following is an entry in ClinVar:

ClinVar aggregate classification (germline): Uncertain significance (1 of 4 stars; one submission).

Allele frequency attached by ClinVar (database versions not stated): TOPMed below 0.00001.

Submission:

Ambry Genetics
Classification: Uncertain significance. Last evaluated: 2024-07-17. Review status: criteria provided, single submitter. Criteria: Ambry Variant Classification Scheme 2023. Collection method: clinical testing. Allele origin: germline.
Comment: The p.H163R variant (also known as c.488A>G), located in coding exon 6 of the BUB1 gene, results from an A to G substitution at nucleotide position 488. The histidine at codon 163 is replaced by arginine, an amino acid with highly similar properties. This amino acid position is conserved. In addition, this alteration is predicted to be tolerated by in silico analysis. Since supporting evidence is limited at this time, the clinical significance of this alteration remains unclear.

NM_004336.5(BUB1):c.488A>G (p.His163Arg)

Gene: BUB1 (BUB1 mitotic checkpoint serine/threonine kinase; minus strand). Cytogenetic location: 2q13.
Variant type: single nucleotide variant.
Coding change: c.488A>G on transcript NM_004336.5 (MANE Select); coding-DNA position 488, A replaced by G.
Protein change: p.His163Arg; replaces histidine 163 with arginine.
Molecular consequence: missense variant.
Genome position (GRCh38, 1-based): chr2:110,669,532, T>C on the plus strand (A>G on the coding strand, the complement: BUB1 is on the minus strand). VCF-style: chr2-110669532-T-C. GRCh37 (hg19) VCF-style: chr2-111427109-T-C.
Other names: c.428A>G, p.His143Arg (NM_001278616.2); c.488A>G, p.His163Arg (NM_001278617.2); short protein forms H143R, H163R.
Identifiers: ClinVar variation 1743840 (VCV001743840.3), dbSNP rs1690359972, ClinGen allele CA348219334.
Genomic context (GRCh38, chr2:110,669,532, plus strand): 5'-GCCATGTTATTTCCTGGATTTGATTTTGATGTTATCATTTGATTTAAAACCTGAACATTA[T>C]GCAGAGGTTCTGAGGTTCTAGCTATGAGGGAAAAGAGGATAAAATACGGAGAAATTAAGG-3'
Protein context (NP_004327.1, residues 153-173): PAQARTSEPL[His163Arg]NVQVLNQMIT